The following is an entry in ClinVar:

ClinVar aggregate classification (germline): Pathogenic. Review status: criteria provided, multiple submitters, no conflicts (2 of 4 stars). 2 submissions from 2 submitters: Pathogenic (2). Last evaluated 2025-10-01.

Conditions:
Noonan syndrome 2 (NS2). Identifiers: Orphanet 648, MedGen C1854469, MONDO:0011531, OMIM 605275.

Submissions (2):

3billion
Classification: Pathogenic for Noonan syndrome 2. Last evaluated: 2025-10-01. Review status: criteria provided, single submitter. Criteria: ACMG Guidelines, 2015. Collection method: clinical testing. Allele origin: germline. Affected: yes.
Comment: The variant is observed at an extremely low frequency in the gnomAD v4.1.0 dataset (total allele frequency: <0.001%). Predicted Consequence/Location: Frameshift: predicted to result in a loss or disruption of normal protein function through nonsense-mediated decay (NMD) or protein truncation. Multiple pathogenic variants are reported downstream of the variant. The variant has been reported to be associated with LZTR1-related disorder (ClinVar ID: VCV001392630). Therefore, this variant is classified as Pathogenic according to the recommendation of ACMG/AMP guideline.

Labcorp Genetics (formerly Invitae), Labcorp
Classification: Pathogenic. Last evaluated: 2021-03-22. Review status: criteria provided, single submitter. Criteria: Invitae Variant Classification Sherloc (09022015). Collection method: clinical testing. Allele origin: germline.
Comment: For these reasons, this variant has been classified as Pathogenic. This variant has not been reported in the literature in individuals with LZTR1-related conditions. This variant is not present in population databases (ExAC no frequency). This sequence change creates a premature translational stop signal (p.Ala335Leufs*16) in the LZTR1 gene. It is expected to result in an absent or disrupted protein product. Loss-of-function variants in LZTR1 are known to be pathogenic (PMID: 24362817, 25335493, 25480913, 29469822, 30442762, 30859559).

Literature cited by the submitters: PubMed 24362817 (cited by Labcorp Genetics (formerly Invitae), Labcorp); PubMed 25335493 (cited by Labcorp Genetics (formerly Invitae), Labcorp); PubMed 25480913 (cited by Labcorp Genetics (formerly Invitae), Labcorp); PubMed 29469822 (cited by Labcorp Genetics (formerly Invitae), Labcorp); PubMed 30442762 (cited by Labcorp Genetics (formerly Invitae), Labcorp); PubMed 30859559 (cited by Labcorp Genetics (formerly Invitae), Labcorp).

NM_006767.4(LZTR1):c.1003del (p.Ala335fs)

Gene: LZTR1 (leucine zipper like post translational regulator 1; plus strand). Cytogenetic location: 22q11.21.
Variant type: Deletion.
Coding change: c.1003del on transcript NM_006767.4 (MANE Select); coding-DNA position 1003, one base deleted (G; older notation c.1003delG).
Protein change: p.Ala335fs; shifts the reading frame from alanine 335.
Molecular consequence: frameshift variant.
Genome position (GRCh38, 1-based): chr22:20,992,223, G deleted; the last of 4 consecutive G bases (chr22:20,992,220-20,992,223); deleting any one gives the same sequence. VCF-style (leftmost placement, unchanged base first): chr22-20992219-TG-T. GRCh37 (hg19) VCF-style: chr22-21346508-TG-T.
Other names: short protein forms A335fs.
Identifiers: ClinVar variation 1392630 (VCV001392630.7), dbSNP rs2147965376, ClinGen allele CA2573157801.